The following is an entry in ClinVar:

NM_182493.3(MYLK3):c.1573C>T (p.Arg525Trp)

Gene: MYLK3 (myosin light chain kinase 3; minus strand). Cytogenetic location: 16q11.2.
Variant type: single nucleotide variant.
Coding change: c.1573C>T on transcript NM_182493.3 (MANE Select); coding-DNA position 1573, C replaced by T.
Protein change: p.Arg525Trp; replaces arginine 525 with tryptophan.
Molecular consequence: missense variant.
Genome position (GRCh38, 1-based): chr16:46,729,683, G>A on the plus strand (C>T on the coding strand, the complement: MYLK3 is on the minus strand). VCF-style: chr16-46729683-G-A. GRCh37 (hg19) VCF-style: chr16-46763595-G-A.
Other names: c.550C>T, p.Arg184Trp (NM_001308301.1); short protein forms R184W, R525W.
Identifiers: ClinVar variation 1355577 (VCV001355577.7), dbSNP rs143794902, ClinGen allele CA8037916.

ClinVar aggregate classification (germline): Uncertain significance. Review status: criteria provided, multiple submitters, no conflicts (2 of 4 stars). 2 submissions from 2 submitters: Uncertain significance (2). Last evaluated 2025-03-19.

Allele frequency attached by ClinVar (database versions not stated): gnomAD 0.00001; TOPMed 0.00001.
gnomAD v4.1: 9 of 1,613,314 alleles (0.00056%); highest among the groups gnomAD compares: Admixed American, 0.0017%; no homozygotes.

Submissions (2):

Labcorp Genetics (formerly Invitae), Labcorp
Classification: Uncertain significance. Last evaluated: 2025-03-19. Review status: criteria provided, single submitter. Criteria: Invitae Variant Classification Sherloc (09022015). Collection method: clinical testing. Allele origin: germline.
Comment: This sequence change replaces arginine, which is basic and polar, with tryptophan, which is neutral and slightly polar, at codon 525 of the MYLK3 protein (p.Arg525Trp). This variant is present in population databases (rs143794902, gnomAD 0.003%). This variant has not been reported in the literature in individuals affected with MYLK3-related conditions. ClinVar contains an entry for this variant (Variation ID: 1355577). An algorithm developed to predict the effect of missense changes on protein structure and function (PolyPhen-2) suggests that this variant is likely to be disruptive. In summary, the available evidence is currently insufficient to determine the role of this variant in disease. Therefore, it has been classified as a Variant of Uncertain Significance.

Clinical Genetics Laboratory, Skane University Hospital Lund
Classification: Uncertain significance. Last evaluated: 2023-05-04. Review status: criteria provided, single submitter. Criteria: ACMG Guidelines, 2015. Collection method: clinical testing. Allele origin: germline. Affected: yes.